The following is an entry in ClinVar:

NM_005188.4(CBL):c.2042T>C (p.Leu681Pro)

Gene: CBL (Cbl proto-oncogene; plus strand). Cytogenetic location: 11q23.3.
Variant type: single nucleotide variant.
Coding change: c.2042T>C on transcript NM_005188.4 (MANE Select); coding-DNA position 2042, T replaced by C.
Protein change: p.Leu681Pro; replaces leucine 681 with proline.
Molecular consequence: missense variant.
Genome position (GRCh38, 1-based): chr11:119,296,923, T>C. VCF-style: chr11-119296923-T-C. GRCh37 (hg19) VCF-style: chr11-119167633-T-C.
Other names: c.2042T>C (NM_005188.2); short protein forms L681P.
Identifiers: ClinVar variation 3694714 (VCV003694714.3).

ClinVar aggregate classification (germline): Uncertain significance. Review status: criteria provided, multiple submitters, no conflicts (2 of 4 stars). 2 submissions from 2 submitters: Uncertain significance (2). Last evaluated 2025-01-23.

Conditions:
Cardiovascular phenotype. Identifiers: MedGen CN230736.
RASopathy. Also called: Noonan spectrum disorder; rasopathies. Identifiers: Orphanet 536391, MedGen C5555857, MONDO:0021060.

Submissions (2):

Ambry Genetics
Classification: Uncertain significance for Cardiovascular phenotype. Last evaluated: 2025-01-23. Review status: criteria provided, single submitter. Criteria: Ambry Variant Classification Scheme 2023. Collection method: clinical testing. Allele origin: germline.
Comment: The p.L681P variant (also known as c.2042T>C), located in coding exon 13 of the CBL gene, results from a T to C substitution at nucleotide position 2042. The leucine at codon 681 is replaced by proline, an amino acid with similar properties. This amino acid position is conserved. In addition, the in silico prediction for this alteration is inconclusive. Based on the available evidence, the clinical significance of this variant remains unclear.

Labcorp Genetics (formerly Invitae), Labcorp
Classification: Uncertain significance for RASopathy. Last evaluated: 2024-05-05. Review status: criteria provided, single submitter. Criteria: Invitae Variant Classification Sherloc (09022015). Collection method: clinical testing. Allele origin: germline.
Comment: This sequence change replaces leucine, which is neutral and non-polar, with proline, which is neutral and non-polar, at codon 681 of the CBL protein (p.Leu681Pro). This variant is present in population databases (rs374270823, gnomAD 0.006%). This variant has not been reported in the literature in individuals affected with CBL-related conditions. Advanced modeling of protein sequence and biophysical properties (such as structural, functional, and spatial information, amino acid conservation, physicochemical variation, residue mobility, and thermodynamic stability) performed at Invitae indicates that this missense variant is not expected to disrupt CBL protein function with a negative predictive value of 95%. In summary, the available evidence is currently insufficient to determine the role of this variant in disease. Therefore, it has been classified as a Variant of Uncertain Significance.